The following is an entry in ClinVar:

NM_001300791.2(KIF3A):c.1300+9T>C

Gene: KIF3A (kinesin family member 3A; minus strand). Cytogenetic location: 5q31.1.
Variant type: single nucleotide variant.
Coding change: c.1300+9T>C on transcript NM_001300791.2 (MANE Select); 9 bases into the intron after coding-DNA position 1300, T replaced by C.
Molecular consequence: intron variant.
Genome position (GRCh38, 1-based): chr5:132,708,898, A>G on the plus strand (T>C on the coding strand, the complement: KIF3A is on the minus strand). VCF-style: chr5-132708898-A-G. GRCh37 (hg19) VCF-style: chr5-132044590-A-G.
Other names: c.1228+2061T>C (NM_007054.7, NM_001300792.2).
Identifiers: ClinVar variation 3033309 (VCV003033309.2), dbSNP rs201305284, ClinGen allele CA3406259.

ClinVar aggregate classification (germline): Likely benign (0 of 4 stars; one submission).

Conditions:
KIF3A-related disorder. Also called: KIF3A-related condition.

Allele frequency attached by ClinVar (database versions not stated): 1000 Genomes Project 0.00060; TOPMed 0.00088; 1000 Genomes Project 30x 0.00094; gnomAD 0.00104; gnomAD exomes 0.00202; ExAC 0.00251.
gnomAD v4.1: 2,954 of 1,541,098 alleles (0.19%); highest among the groups gnomAD compares: South Asian, 0.49%; 6 homozygotes.

Submission:

PreventionGenetics, part of Exact Sciences
Classification: Likely benign for KIF3A-related condition. Last evaluated: 2020-11-23. Review status: no assertion criteria provided. Collection method: clinical testing. Allele origin: germline.
Comment: This variant is classified as likely benign based on ACMG/AMP sequence variant interpretation guidelines (Richards et al. 2015 PMID: 25741868, with internal and published modifications).